The following is an entry in ClinVar:

ClinVar aggregate classification (germline): Uncertain significance (1 of 4 stars; one submission).

Conditions:
Peroxisome biogenesis disorder 11A (Zellweger). Also called: Peroxisome biogenesis disorder 11A. Identifiers: Orphanet 912, MedGen C3554000, MONDO:0013949, OMIM 614883.

Submission:

Labcorp Genetics (formerly Invitae), Labcorp
Classification: Uncertain significance for Peroxisome biogenesis disorder 11A (Zellweger). Last evaluated: 2022-06-30. Review status: criteria provided, single submitter. Criteria: Invitae Variant Classification Sherloc (09022015). Collection method: clinical testing. Allele origin: germline.
Comment: In summary, the available evidence is currently insufficient to determine the role of this variant in disease. Therefore, it has been classified as a Variant of Uncertain Significance. Algorithms developed to predict the effect of missense changes on protein structure and function are either unavailable or do not agree on the potential impact of this missense change (SIFT: "Tolerated"; PolyPhen-2: "Probably Damaging"; Align-GVGD: "Class C15"). This variant has not been reported in the literature in individuals affected with PEX13-related conditions. This variant is not present in population databases (gnomAD no frequency). This sequence change replaces aspartic acid, which is acidic and polar, with tyrosine, which is neutral and polar, at codon 209 of the PEX13 protein (p.Asp209Tyr).

NM_002618.4(PEX13):c.625G>T (p.Asp209Tyr)

Gene: PEX13 (peroxisomal biogenesis factor 13; plus strand). Cytogenetic location: 2p15.
Variant type: single nucleotide variant.
Coding change: c.625G>T on transcript NM_002618.4 (MANE Select); coding-DNA position 625, G replaced by T.
Protein change: p.Asp209Tyr; replaces aspartic acid 209 with tyrosine.
Molecular consequence: missense variant.
Genome position (GRCh38, 1-based): chr2:61,031,951, G>T. VCF-style: chr2-61031951-G-T. GRCh37 (hg19) VCF-style: chr2-61259086-G-T.
Other names: short protein forms D209Y.
Identifiers: ClinVar variation 2012484 (VCV002012484.4), dbSNP rs2467508447, ClinGen allele CA346944105.